The following is an entry in ClinVar:

NM_017999.5(RNF31):c.2586G>A (p.Met862Ile)

Gene: RNF31 (ring finger protein 31; plus strand). Cytogenetic location: 14q12.
Variant type: single nucleotide variant.
Coding change: c.2586G>A on transcript NM_017999.5 (MANE Select); coding-DNA position 2586, G replaced by A.
Protein change: p.Met862Ile; replaces methionine 862 with isoleucine.
Molecular consequence: missense variant.
Genome position (GRCh38, 1-based): chr14:24,157,382, G>A. VCF-style: chr14-24157382-G-A. GRCh37 (hg19) VCF-style: chr14-24626591-G-A.
Other names: c.2133G>A, p.Met711Ile (NM_001310332.2); short protein forms M711I, M862I.
Identifiers: ClinVar variation 3674226 (VCV003674226.2).

ClinVar aggregate classification (germline): Uncertain significance (1 of 4 stars; one submission).

gnomAD v4.1: 1 of 1,610,376 alleles (0.000062%); highest among the groups gnomAD compares: Non-Finnish European, 0.000085%; no homozygotes.

Submission:

Labcorp Genetics (formerly Invitae), Labcorp
Classification: Uncertain significance. Last evaluated: 2025-07-09. Review status: criteria provided, single submitter. Criteria: Invitae Variant Classification Sherloc (09022015). Collection method: clinical testing. Allele origin: germline.
Comment: This sequence change replaces methionine, which is neutral and non-polar, with isoleucine, which is neutral and non-polar, at codon 862 of the RNF31 protein (p.Met862Ile). This variant is present in population databases (rs371517926, gnomAD 0.0009%). This variant has not been reported in the literature in individuals affected with RNF31-related conditions. ClinVar contains an entry for this variant (Variation ID: 3674226). An algorithm developed to predict the effect of missense changes on protein structure and function (PolyPhen-2) suggests that this variant is likely to be tolerated. In summary, the available evidence is currently insufficient to determine the role of this variant in disease. Therefore, it has been classified as a Variant of Uncertain Significance.